The following is an entry in ClinVar:

NM_006393.3(NEBL):c.2104C>T (p.Pro702Ser)

Genes: NEBL (nebulette; minus strand), LOC126860875 (MED14-independent group 3 enhancer GRCh37_chr10:21105746-21106945; plus strand). Cytogenetic location: 10p12.31.
Variant type: single nucleotide variant.
Coding change: c.2104C>T on transcript NM_006393.3 (MANE Select); coding-DNA position 2104, C replaced by T.
Protein change: p.Pro702Ser; replaces proline 702 with serine.
Molecular consequence: missense variant. On other transcripts: intron variant (9).
Genome position (GRCh38, 1-based): chr10:20,817,644, G>A on the plus strand (C>T on the coding strand, the complement: NEBL is on the minus strand). VCF-style: chr10-20817644-G-A. GRCh37 (hg19) VCF-style: chr10-21106573-G-A.
Other names: c.250-4704C>T (NM_001377326.1, NM_001377327.1, NM_001377328.1); c.358-4704C>T (NM_213569.2, NM_001173484.2, NM_001377322.1); c.301-4704C>T (NM_001377324.1); c.292-4704C>T (NM_001377325.1); c.310-4704C>T (NM_001377323.1); short protein forms P702S.
Identifiers: ClinVar variation 412259 (VCV000412259.7), dbSNP rs780795108, ClinGen allele CA5432608.
Genomic context (GRCh38, chr10:20,817,644, plus strand): 5'-ACTAAGATGATCACACATTGCTGATGTTTTTCTGGTTTTCTTTTGCCCTCTTCAGCTCTG[G>A]TGGATCAGAAATTGCAGTTCCCCGTTGAAGTTCTCCCTTATATTTTACCTAAGAAGGATA-3'
Protein context (NP_006384.1, residues 692-712): LQRGTAISDP[Pro702Ser]ELKRAKENQK

ClinVar aggregate classification (germline): Uncertain significance (1 of 4 stars; one submission).

Conditions:
Primary dilated cardiomyopathy (DCM). Also called: Dilated Cardiomyopathy. Identifiers: Orphanet 217604, MedGen C0007193, MeSH D002311, MONDO:0005021, HP:0001644. Inheritance: Various modes of inheritance.

Allele frequency attached by ClinVar (database versions not stated): gnomAD 0.00001; gnomAD exomes 0.00001 and 0.00002; TOPMed 0.00001; ExAC 0.00002.
gnomAD v4.1: 13 of 1,613,854 alleles (0.00081%); highest among the groups gnomAD compares: Non-Finnish European, 0.0011%; no homozygotes.

Submission:

Labcorp Genetics (formerly Invitae), Labcorp
Classification: Uncertain significance for Primary dilated cardiomyopathy. Last evaluated: 2022-07-19. Review status: criteria provided, single submitter. Criteria: Invitae Variant Classification Sherloc (09022015). Collection method: clinical testing. Allele origin: germline.
Comment: In summary, the available evidence is currently insufficient to determine the role of this variant in disease. Therefore, it has been classified as a Variant of Uncertain Significance. Algorithms developed to predict the effect of missense changes on protein structure and function are either unavailable or do not agree on the potential impact of this missense change (SIFT: "Tolerated"; PolyPhen-2: "Possibly Damaging"; Align-GVGD: "Class C0"). ClinVar contains an entry for this variant (Variation ID: 412259). This variant has not been reported in the literature in individuals affected with NEBL-related conditions. This variant is present in population databases (rs780795108, gnomAD 0.003%). This sequence change replaces proline, which is neutral and non-polar, with serine, which is neutral and polar, at codon 702 of the NEBL protein (p.Pro702Ser).